The following is an entry in ClinVar:

ClinVar aggregate classification (germline): Conflicting classifications of pathogenicity. Review status: criteria provided, conflicting classifications (1 of 4 stars). 3 submissions from 3 submitters: Uncertain significance (1); Likely benign (2). Last evaluated 2024-04-02.

Conditions:
Paramyotonia congenita of Von Eulenburg. Also called: PARALYSIS PERIODICA PARAMYOTONICA; Paramyotonia Congenita; Eulenburg disease; Myotonia congenita intermittens; Von Eulenburg paramyotonia congenita. Identifiers: Orphanet 684, MedGen C0221055, MONDO:0008195, OMIM 168300. Disease mechanism: loss of function.
Hypokalemic periodic paralysis, type 2 (HOKPP2). Identifiers: Orphanet 681, MedGen C2750061, MONDO:0013234, OMIM 613345.
Potassium-aggravated myotonia. Also called: MYOTONIA CONGENITA, ACETAZOLAMIDE-RESPONSIVE; MYOTONIA CONGENITA, ATYPICAL; Myotonia congenita, atypical, acetazolamide-responsive; SODIUM CHANNEL MUSCLE DISEASE. Identifiers: Orphanet 612, Orphanet 99734, Orphanet 99735, Orphanet 99736, MedGen C2931826, MONDO:0018959, OMIM 608390.
Congenital myasthenic syndrome 16. Identifiers: Orphanet 590, MedGen C3280112, MONDO:0013620, OMIM 614198.
Hyperkalemic periodic paralysis. Also called: Familial hyperkalemic periodic paralysis; Gamstorp disease. Identifiers: Orphanet 682, MedGen C0238357, MONDO:0008224, OMIM 170500, HP:0007215.
Congenital myopathy 22A, classic (CMYO22A). Identifiers: MedGen C5830453, MONDO:0957247, OMIM 620351.
Congenital myopathy 22B, severe fetal (CMYO22B). Identifiers: MedGen C5830501, MONDO:0957265, OMIM 620369.

gnomAD v4.1: 1 of 1,610,278 alleles (0.000062%); highest among the groups gnomAD compares: Middle Eastern, 0.017%; no homozygotes.

Submissions (3):

Fulgent Genetics
Classification: Uncertain significance for Paramyotonia congenita of Von Eulenburg; Hyperkalemic periodic paralysis; Potassium-aggravated myotonia; Hypokalemic periodic paralysis, type 2; Congenital myasthenic syndrome 16; Congenital myopathy 22A, classic; Congenital myopathy 22B, severe fetal. Last evaluated: 2024-04-02. Review status: criteria provided, single submitter. Criteria: ACMG Guidelines, 2015. Collection method: clinical testing. Allele origin: germline.

Labcorp Genetics (formerly Invitae), Labcorp
Classification: Likely benign for Hyperkalemic periodic paralysis. Last evaluated: 2024-02-24. Review status: criteria provided, single submitter. Criteria: Invitae Variant Classification Sherloc (09022015). Collection method: clinical testing. Allele origin: germline.

GeneDx
Classification: Likely benign. Last evaluated: 2017-01-19. Review status: criteria provided, single submitter. Criteria: GeneDx Variant Classification (06012015). Collection method: clinical testing. Allele origin: germline. Affected: yes.
Comment: This variant is considered likely benign or benign based on one or more of the following criteria: it is a conservative change, it occurs at a poorly conserved position in the protein, it is predicted to be benign by multiple in silico algorithms, and/or has population frequency not consistent with disease.

NM_000334.4(SCN4A):c.4360C>A (p.Arg1454=)

Genes: GH-LCR (growth hormone locus control region; plus strand), SCN4A (sodium voltage-gated channel alpha subunit 4; minus strand). Cytogenetic location: 17q23.3.
Variant type: single nucleotide variant.
Coding change: c.4360C>A on transcript NM_000334.4 (MANE Select); coding-DNA position 4360, C replaced by A.
Protein change: p.Arg1454=; no amino-acid change (arginine 1454 retained).
Molecular consequence: synonymous variant.
Genome position (GRCh38, 1-based): chr17:63,941,922, G>T on the plus strand (C>A on the coding strand, the complement: SCN4A is on the minus strand). VCF-style: chr17-63941922-G-T. GRCh37 (hg19) VCF-style: chr17-62019282-G-T.
Identifiers: ClinVar variation 517689 (VCV000517689.17), dbSNP rs879253789, ClinGen allele CA501348524.